The following is an entry in ClinVar:

ClinVar aggregate classification (germline): Uncertain significance (1 of 4 stars; one submission).

Conditions:
Familial cold autoinflammatory syndrome 2 (FCAS2). Identifiers: Orphanet 247868, MedGen C2673198, MONDO:0012724, OMIM 611762.

Submission:

Labcorp Genetics (formerly Invitae), Labcorp
Classification: Uncertain significance for Familial cold autoinflammatory syndrome 2. Last evaluated: 2025-10-08. Review status: criteria provided, single submitter. Criteria: Invitae Variant Classification Sherloc (09022015). Collection method: clinical testing. Allele origin: germline.
Comment: This sequence change creates a premature translational stop signal (p.Ala535Glnfs*7) in the NLRP12 gene. It is expected to result in an absent or disrupted protein product. However, the current clinical and genetic evidence is not sufficient to establish whether loss-of-function variants in NLRP12 cause disease. This variant is not present in population databases (gnomAD no frequency). This variant has not been reported in the literature in individuals affected with NLRP12-related conditions. In summary, the available evidence is currently insufficient to determine the role of this variant in disease. Therefore, it has been classified as a Variant of Uncertain Significance.

NM_144687.4(NLRP12):c.1603del (p.Ala535fs)

Gene: NLRP12 (NLR family pyrin domain containing 12; minus strand). Cytogenetic location: 19q13.42.
Variant type: Deletion.
Coding change: c.1603del on transcript NM_144687.4 (MANE Select); coding-DNA position 1603, one base deleted (G; older notation c.1603delG).
Protein change: p.Ala535fs; shifts the reading frame from alanine 535.
Molecular consequence: frameshift variant.
Genome position (GRCh38, 1-based): chr19:53,810,056, C deleted on the plus strand (G on the coding strand, the reverse complement: NLRP12 is on the minus strand); the first of 4 consecutive C bases (chr19:53,810,056-53,810,059); deleting any one gives the same sequence. VCF-style (leftmost placement, unchanged base first): chr19-53810055-GC-G. GRCh37 (hg19) VCF-style: chr19-54313309-GC-G.
Other names: c.1603del, p.Ala535fs (NM_001277126.2, NM_001277129.1); short protein forms A535fs.
Identifiers: ClinVar variation 4711593 (VCV004711593.1).
Genomic context (GRCh38, chr19:53,810,055, plus strand): 5'-AAGCTCCTTTCAGAAAACGCGTACTCGGTCAACAGCCTGGTCACGTCCTGGTCTGGGCCT[GC>G]CCCGCCCTCCCCCTCGTCCAGGATATAGTACATAGCTGCAAAGAATTCCTGGAAACTCAA-3'